The following is an entry in ClinVar:

NM_000059.4(BRCA2):c.6403A>C (p.Asn2135His)

Gene: BRCA2 (BRCA2 DNA repair associated; plus strand). Cytogenetic location: 13q13.1.
Variant type: single nucleotide variant.
Coding change: c.6403A>C on transcript NM_000059.4 (MANE Select); coding-DNA position 6403, A replaced by C.
Protein change: p.Asn2135His; replaces asparagine 2135 with histidine.
Molecular consequence: missense variant.
Genome position (GRCh38, 1-based): chr13:32,340,758, A>C. VCF-style: chr13-32340758-A-C. GRCh37 (hg19) VCF-style: chr13-32914895-A-C.
Other names: p.N2135H:AAC>CAC; 6631A>C; short protein forms N2135H.
Identifiers: ClinVar variation 52083 (VCV000052083.24), dbSNP rs80358876, ClinGen allele CA023994.

ClinVar aggregate classification (germline): Conflicting classifications of pathogenicity. Review status: criteria provided, conflicting classifications (1 of 4 stars). 10 submissions from 10 submitters: Uncertain significance (5); Likely benign (3). 2 of the submissions do not count toward it. Last evaluated 2026-09-30.

Conditions:
Hereditary cancer-predisposing syndrome. Also called: Neoplastic Syndromes, Hereditary; Tumor predisposition; Hereditary neoplastic syndrome; Hereditary Cancer Syndrome. Identifiers: Orphanet 140162, MedGen C0027672, MeSH D009386, MONDO:0015356.
Hereditary breast ovarian cancer syndrome. Also called: BRCA1- and BRCA2-Associated Hereditary Breast and Ovarian Cancer; Hereditary breast and/or ovarian cancer syndrome; Hereditary breast and ovarian cancer syndrome; Hereditary breast and ovarian cancer syndrome (HBOC); Hereditary breast and ovarian cancer; Breast and ovarian cancer. Identifiers: Orphanet 145, MedGen C0677776, MeSH D061325, MONDO:0003582. Disease mechanism: loss of function.
Inherited breast cancer and ovarian cancer.
Breast-ovarian cancer, familial, susceptibility to, 2 (BROVCA2). Also called: BRCA2 Hereditary Breast and Ovarian Cancer. Identifiers: Orphanet 145, MedGen C2675520, MONDO:0012933, OMIM 612555. Disease mechanism: loss of function.

Allele frequency attached by ClinVar (database versions not stated): TOPMed 0.00002; gnomAD 0.00001.
gnomAD v4.1: 47 of 1,604,686 alleles (0.0029%); highest among the groups gnomAD compares: Non-Finnish European, 0.004%; no homozygotes.

Submissions (10):

Genomics and Molecular Medicine Service, East Genomic Laboratory Hub, NHS Genomic Medicine Service
Classification: Likely benign for Inherited breast cancer and ovarian cancer. Last evaluated: 2026-09-30. Review status: criteria provided, single submitter. Criteria: ACGS Best Practice Guidelines for Variant Classification in Rare Disease 2020. Collection method: clinical testing. Allele origin: germline. Affected: yes.
Comment: BP1_Strong

Labcorp Genetics (formerly Invitae), Labcorp
Classification: Uncertain significance for Hereditary breast ovarian cancer syndrome. Last evaluated: 2025-11-25. Review status: criteria provided, single submitter. Criteria: Invitae Variant Classification Sherloc (09022015). Collection method: clinical testing. Allele origin: germline.
Comment: This sequence change replaces asparagine, which is neutral and polar, with histidine, which is basic and polar, at codon 2135 of the BRCA2 protein (p.Asn2135His). This variant is present in population databases (rs80358876, gnomAD 0.0009%). This missense change has been observed in individual(s) with breast cancer and epithelial ovarian cancer (PMID: 11241844, 27208206). ClinVar contains an entry for this variant (Variation ID: 52083). Invitae Evidence Modeling of protein sequence and biophysical properties (such as structural, functional, and spatial information, amino acid conservation, physicochemical variation, residue mobility, and thermodynamic stability) indicates that this missense variant is not expected to disrupt BRCA2 protein function with a negative predictive value of 95%. In summary, the available evidence is currently insufficient to determine the role of this variant in disease. Therefore, it has been classified as a Variant of Uncertain Significance.

Quest Diagnostics Nichols Institute San Juan Capistrano
Classification: Uncertain significance. Last evaluated: 2025-05-16. Review status: criteria provided, single submitter. Criteria: Quest Diagnostics criteria. Collection method: clinical testing. Allele origin: unknown.
Comment: The BRCA2 c.6403A>C (p.Asn2135His) variant has been reported in the published literature in an individual with ovarian cancer (PMID: 27208206 (2016)). The frequency of this variant in the general population (Genome Aggregation Database) is uninformative in the assessment of its pathogenicity. Analysis of this variant using bioinformatics tools for the prediction of the effect of amino acid changes on protein structure and function yielded predictions that this variant is damaging. Based on the available information, we are unable to determine the clinical significance of this variant.

Ambry Genetics
Classification: Likely benign for Hereditary cancer-predisposing syndrome. Last evaluated: 2024-06-05. Review status: criteria provided, single submitter. Criteria: Ambry Variant Classification Scheme 2023. Collection method: clinical testing. Allele origin: germline.

University of Washington Department of Laboratory Medicine, University of Washington
Classification: Likely benign for Hereditary cancer-predisposing syndrome. Last evaluated: 2023-03-23. Review status: criteria provided, single submitter. Criteria: Dines et al. (Genet Med. 2020). Collection method: curation. Allele origin: germline.
Comment: Missense variant in a coldspot region where missense variants are very unlikely to be pathogenic (PMID:31911673).

BRCA2 exon 11 coldspot. Reclassification based on statistical prior probability.

Color Diagnostics, LLC DBA Color Health
Classification: Uncertain significance for Hereditary cancer-predisposing syndrome. Last evaluated: 2022-02-08. Review status: criteria provided, single submitter. Criteria: ACMG Guidelines, 2015. Collection method: clinical testing. Allele origin: germline.
Comment: This missense variant replaces asparagine with histidine at codon 2135 of the BRCA2 protein. Computational prediction suggests that this variant may not impact protein structure and function (internally defined REVEL score threshold <= 0.5, PMID: 27666373). To our knowledge, functional studies have not been reported for this variant. This variant has been reported in an individual affected with ovarian cancer and an individual screened for hereditary cancer (PMID: 11241844, 27208206). This variant also has been reported in a multifactorial analysis with co-occurrence and family history likelihood ratios for pathogenicity of 1.0757 and 0.6366, respectively (PMID: 31131967). This variant has been identified in 1/240454 chromosomes in the general population by the Genome Aggregation Database (gnomAD). The available evidence is insufficient to determine the role of this variant in disease conclusively. Therefore, this variant is classified as a Variant of Uncertain Significance.

Women's Health and Genetics/Laboratory Corporation of America, LabCorp
Classification: Uncertain significance. Last evaluated: 2020-11-19. Review status: criteria provided, single submitter. Criteria: LabCorp Variant Classification Summary - May 2015. Collection method: clinical testing. Allele origin: germline.
Comment: Variant summary: BRCA2 c.6403A>C (p.Asn2135His) results in a conservative amino acid change in the encoded protein sequence. Three of four in-silico tools predict a benign effect of the variant on protein function. The variant allele was found at a frequency of 4.2e-06 in 240454 control chromosomes. The available data on variant occurrences in the general population are insufficient to allow any conclusion about variant significance. c.6403A>C has been reported in the literature in at least one individual without clinical information (Edwards_2001). This report does not provide unequivocal conclusions about association of the variant with Hereditary Breast And Ovarian Cancer Syndrome. To our knowledge, no experimental evidence demonstrating an impact on protein function has been reported. Three clinical diagnostic laboratories have submitted clinical-significance assessments for this variant to ClinVar after 2014 without evidence for independent evaluation. All laboratories classified the variant as uncertain significance. Based on the evidence outlined above, the variant was classified as uncertain significance.

GeneDx
Classification: Uncertain significance. Last evaluated: 2015-03-19. Review status: criteria provided, single submitter. Criteria: GeneDx Variant Classification (06012015). Collection method: clinical testing. Allele origin: germline. Affected: yes.
Comment: This variant is denoted BRCA2 c.6403A>C at the cDNA level, p.Asn2135His (N2135H) at the protein level, and results in the change of an Asparagine to a Histidine (AAC>CAC). Using alternate nomenclature, this variant has been previously published as BRCA2 6631A>C. This variant was observed in at least one individual that underwent BRCA2 sequencing (Edwards 2001). BRCA2 Asn2135His was not observed in approximately 6,500 individuals of European and African American ancestry in the NHLBI Exome Sequencing Project, indicating it is not a common benign variant in these populations. Since Asparagine and Histidine differ in some properties, this is considered a semi-conservative amino acid substitution. BRCA2 Asn2135His occurs at a position that is not conserved across species and is not located in a known functional domain (UniProt). In silico analyses predict that this variant is unlikely to alter protein structure or function. Based on currently available information, it is unclear whether BRCA2 Asn2135His is pathogenic or benign. We consider it to be a variant of uncertain significance.

Sharing Clinical Reports Project (SCRP)
Classification: Uncertain significance for Breast-ovarian cancer, familial 2. Last evaluated: 2012-05-01. Review status: no assertion criteria provided. Collection method: clinical testing. Allele origin: germline. Not counted in ClinVar's aggregate classification.

Breast Cancer Information Core (BIC) (BRCA2)
Classification: Uncertain significance for Breast-ovarian cancer, familial 2. Last evaluated: 2004-02-20. Review status: no assertion criteria provided. Collection method: clinical testing. Allele origin: germline. Affected: yes. Observed: 2 variant alleles. Not counted in ClinVar's aggregate classification.

Literature cited by the submitters: PubMed 11241844 (cited by 4 submitters); PubMed 27208206 (cited by 4 submitters); PubMed 31911673 (cited by Quest Diagnostics Nichols Institute San Juan Capistrano); PubMed 31131967 (cited by Quest Diagnostics Nichols Institute San Juan Capistrano and Color Diagnostics, LLC DBA Color Health); PubMed 38153744 (cited by Quest Diagnostics Nichols Institute San Juan Capistrano); PubMed 34707284 (cited by Quest Diagnostics Nichols Institute San Juan Capistrano); PubMed 37349538 (cited by Quest Diagnostics Nichols Institute San Juan Capistrano).